The following is an entry in ClinVar:

NM_006514.4(SCN10A):c.4978T>C (p.Ser1660Pro)

Gene: SCN10A (sodium voltage-gated channel alpha subunit 10; minus strand). Cytogenetic location: 3p22.2.
Variant type: single nucleotide variant.
Coding change: c.4978T>C on transcript NM_006514.4 (MANE Select); coding-DNA position 4978, T replaced by C.
Protein change: p.Ser1660Pro; replaces serine 1660 with proline.
Molecular consequence: missense variant.
Genome position (GRCh38, 1-based): chr3:38,698,242, A>G on the plus strand (T>C on the coding strand, the complement: SCN10A is on the minus strand). VCF-style: chr3-38698242-A-G. GRCh37 (hg19) VCF-style: chr3-38739733-A-G.
Other names: c.4975T>C, p.Ser1659Pro (NM_001293306.2); c.4684T>C, p.Ser1562Pro (NM_001293307.2); short protein forms S1562P, S1659P, S1660P.
Identifiers: ClinVar variation 1802137 (VCV001802137.1), dbSNP rs2470553857, ClinGen allele CA352154975.

ClinVar aggregate classification (germline): Uncertain significance (1 of 4 stars; one submission).

Submission:

GeneDx
Classification: Uncertain significance. Last evaluated: 2022-06-03. Review status: criteria provided, single submitter. Criteria: GeneDx Variant Classification Process June 2021. Collection method: clinical testing. Allele origin: germline. Affected: yes.
Comment: Not observed at significant frequency in large population cohorts (gnomAD); In silico analysis supports that this missense variant has a deleterious effect on protein structure/function; Has not been previously published as pathogenic or benign to our knowledge